The following is an entry in ClinVar:

NM_004370.6(COL12A1):c.8938C>T (p.Arg2980Ter)

Gene: COL12A1 (collagen type XII alpha 1 chain; minus strand). Cytogenetic location: 6q13.
Variant type: single nucleotide variant.
Coding change: c.8938C>T on transcript NM_004370.6 (MANE Select); coding-DNA position 8938, C replaced by T.
Protein change: p.Arg2980Ter; replaces arginine 2980 with a stop codon.
Molecular consequence: nonsense.
Genome position (GRCh38, 1-based): chr6:75,090,113, G>A on the plus strand (C>T on the coding strand, the complement: COL12A1 is on the minus strand). VCF-style: chr6-75090113-G-A. GRCh37 (hg19) VCF-style: chr6-75799829-G-A.
Other names: c.5446C>T, p.Arg1816Ter (NM_080645.3); short protein forms R1816*, R2980*.
Identifiers: ClinVar variation 1805426 (VCV001805426.6), dbSNP rs1400969919, ClinGen allele CA364734355.

ClinVar aggregate classification (germline): Conflicting classifications of pathogenicity. Review status: criteria provided, conflicting classifications (1 of 4 stars). 2 submissions from 2 submitters: Pathogenic (1); Uncertain significance (1). Last evaluated 2024-04-17.

Conditions:
Ullrich congenital muscular dystrophy 2 (UCMD2). Identifiers: Orphanet 75840, MedGen C4225314, MONDO:0014654, OMIM 616470.
Bethlem myopathy 2 (BTHLM2). Identifiers: Orphanet 536516, Orphanet 610, MedGen C4225313, MONDO:0034022, OMIM 616471.

Allele frequency attached by ClinVar (database versions not stated): gnomAD exomes below 0.00001; gnomAD 0.00001.
gnomAD v4.1: 6 of 1,612,818 alleles (0.00037%); highest among the groups gnomAD compares: Non-Finnish European, 0.00042%; no homozygotes.

Submissions (2):

Labcorp Genetics (formerly Invitae), Labcorp
Classification: Pathogenic for Bethlem myopathy 2; Ullrich congenital muscular dystrophy 2. Last evaluated: 2024-04-17. Review status: criteria provided, single submitter. Criteria: Invitae Variant Classification Sherloc (09022015). Collection method: clinical testing. Allele origin: germline.
Comment: This sequence change creates a premature translational stop signal (p.Arg2980*) in the COL12A1 gene. It is expected to result in an absent or disrupted protein product. Loss-of-function variants in COL12A1 are known to be pathogenic (PMID: 24334604, 28973083). This variant is present in population databases (no rsID available, gnomAD 0.004%). This variant has not been reported in the literature in individuals affected with COL12A1-related conditions. ClinVar contains an entry for this variant (Variation ID: 1805426). For these reasons, this variant has been classified as Pathogenic.

Victorian Clinical Genetics Services, Murdoch Childrens Research Institute
Classification: Uncertain significance for Ullrich congenital muscular dystrophy 2. Last evaluated: 2022-03-31. Review status: criteria provided, single submitter. Criteria: ACMG Guidelines, 2015. Collection method: clinical testing. Allele origin: germline. Inheritance: Autosomal recessive inheritance. Affected: yes.
Comment: Based on the classification scheme VCGS_Germline_v1.3.4, this variant is classified as VUS-3A. Following criteria are met: 0104 - Dominant negative is a known mechanism of disease in this gene for glycine substitutions and is associated with myopathic Ehlers-Danlos syndrome (EDS) (PMID: 24334769). Loss of function (LoF) is suspected to be the mechanism of disease for autosomal recessive Ullrich congenital muscular dystrophy 2 (MIM#616470) but currently only two individuals with biallelic PTC variants have been described in the literature (PMIDs: 28973083, 24334604). Many other PTC variants have been classified as pathogenic or likely pathogenic by clinical laboratories in ClinVar but currently evidence for LoF variants causing dominant disease is limited (PMID: 31273343). (I) 0107 - This gene is associated with autosomal dominant disease. However, two families with autosomal recessive disease have been reported (PMID: 28973083, 24334604). (I) 0201 - Variant is predicted to cause nonsense-mediated decay (NMD) and loss of protein (premature termination codon is located at least 54 nucleotides upstream of the final exon-exon junction). (SP) 0251 - This variant is heterozygous. (I) 0302 - Variant is present in gnomAD (v2) <0.001 for a dominant condition (4 heterozygotes, 0 homozygotes). (SP) 0703 - Other NMD-predicted variants comparable to the one identified in this case have moderate previous evidence for pathogenicity. An NMD-predicted stop gain variant was observed compound heterozygous with a splice variant in one individual, and a canonical splice variant with functional studies demonsgtrating exon 50 skipping causing an NMD-predicted frameshift has been observed as homozygous in two siblings with an Ullrich-like myopathy (PMIDs: 28973083, 24334604). (SP) 0807 - This variant has no previous evidence of pathogenicity. (I) 0905 - No published segregation evidence has been identified for this variant. (I) 1007 - No published functional evidence has been identified for this variant. (I) 1208 - Inheritance information for this variant is not currently available in this individual. (I) Legend: (SP) - Supporting pathogenic, (I) - Information, (SB) - Supporting benign

Literature cited by the submitters: PubMed 24334604 (cited by Labcorp Genetics (formerly Invitae), Labcorp and Victorian Clinical Genetics Services, Murdoch Childrens Research Institute); PubMed 28973083 (cited by Labcorp Genetics (formerly Invitae), Labcorp and Victorian Clinical Genetics Services, Murdoch Childrens Research Institute); PubMed 24334769 (cited by Victorian Clinical Genetics Services, Murdoch Childrens Research Institute); PubMed 31273343 (cited by Victorian Clinical Genetics Services, Murdoch Childrens Research Institute).